The following is an entry in ClinVar:

ClinVar aggregate classification (germline): Pathogenic (1 of 4 stars; one submission).

Submission:

GeneDx
Classification: Pathogenic. Last evaluated: 2018-05-22. Review status: criteria provided, single submitter. Criteria: GeneDx Variant Classification (06012015). Collection method: clinical testing. Allele origin: germline. Affected: yes.
Comment: A pathogenic variant has been identified in the CDKL5 gene. The c.555-2 A>G splice site variant in the CDKL5 gene destroys the canonical splice acceptor site in intron 8. It is predicted to cause abnormal gene splicing, either leading to an abnormal message that is subject to nonsense-mediated mRNA decay, or to an abnormal protein product if the message is used for protein translation. The c.555-2 A>G variant is not observed in large population cohorts (Lek et al., 2016).

NM_001323289.2(CDKL5):c.555-2A>G

Gene: CDKL5 (cyclin dependent kinase like 5; plus strand). Cytogenetic location: Xp22.13.
Variant type: single nucleotide variant.
Coding change: c.555-2A>G on transcript NM_001323289.2 (MANE Select); the canonical splice acceptor site of the intron before coding-DNA position 555, A replaced by G.
Molecular consequence: splice acceptor variant.
Genome position (GRCh38, 1-based): chrX:18,587,952, A>G. VCF-style: chrX-18587952-A-G. GRCh37 (hg19) VCF-style: chrX-18606072-A-G.
Other names: c.555-2A>G (NM_003159.3, NM_001037343.2).
Identifiers: ClinVar variation 546421 (VCV000546421.2), dbSNP rs1555950455, ClinGen allele CA412353007.